The following is an entry in ClinVar:

NM_001376.5(DYNC1H1):c.10440G>A (p.Lys3480=)

Gene: DYNC1H1 (dynein cytoplasmic 1 heavy chain 1; plus strand). Cytogenetic location: 14q32.31.
Variant type: single nucleotide variant.
Coding change: c.10440G>A on transcript NM_001376.5 (MANE Select); coding-DNA position 10440, G replaced by A.
Protein change: p.Lys3480=; no amino-acid change (lysine 3480 retained).
Molecular consequence: synonymous variant.
Genome position (GRCh38, 1-based): chr14:102,034,002, G>A. VCF-style: chr14-102034002-G-A. GRCh37 (hg19) VCF-style: chr14-102500339-G-A.
Identifiers: ClinVar variation 682484 (VCV000682484.42), dbSNP rs138887857, ClinGen allele CA7353417.
Genomic context (GRCh38, chr14:102,034,002, plus strand): 5'-CATCCCTGAGCATCTTGTTCGGTTTTCCTTTTAGGTAAACCGGAGCACTGCTCTTCTGAA[G>A]AGCTTGTCTGCTGAACGTGAACGATGGGAAAAAACAAGTGAAACTTTCAAAAACCAGATG-3'
Protein context (NP_001367.2, residues 3470-3490): AKVNRSTALL[Lys3480=]SLSAERERWE

ClinVar aggregate classification (germline): Benign/Likely benign. Review status: criteria provided, multiple submitters, no conflicts (2 of 4 stars). 8 submissions from 7 submitters: Benign (1); Likely benign (7). Last evaluated 2026-01-28.

Conditions:
Autosomal dominant cerebellar ataxia. Also called: Spinocerebellar Ataxia, Dominant. Identifiers: Orphanet 99, MedGen C4087347, MONDO:0020380.
Inborn genetic diseases. Identifiers: MedGen C0950123, MeSH D030342.
DYNC1H1-related disorder. Also called: DYNC1H1-related disorders; DYNC1H1-related condition. Identifiers: MedGen CN381529.
Charcot-Marie-Tooth disease axonal type 2O. Also called: Charcot-Marie-Tooth Neuropathy Type 2O; Charcot-Marie-Tooth disease, axonal, type 20; CHARCOT-MARIE-TOOTH NEUROPATHY, AXONAL, TYPE 2O; CHARCOT-MARIE-TOOTH DISEASE, AXONAL, AUTOSOMAL DOMINANT, TYPE 2O. Identifiers: Orphanet 284232, MedGen C3280220, MONDO:0013644, OMIM 614228.

Allele frequency attached by ClinVar (database versions not stated): 1000 Genomes Project 0.00040; ESP Exome Variant Server 0.00046; TOPMed 0.00055; gnomAD 0.00056 and 0.00057; gnomAD exomes 0.00004 and 0.00009; ExAC 0.00012; 1000 Genomes Project 30x 0.00031.
gnomAD v4.1: 157 of 1,614,006 alleles (0.0097%); highest among the groups gnomAD compares: African/African-American, 0.17%; 1 homozygote.

Submissions (8):

Labcorp Genetics (formerly Invitae), Labcorp
Classification: Benign for Charcot-Marie-Tooth disease axonal type 2O. Last evaluated: 2026-01-28. Review status: criteria provided, single submitter. Criteria: Invitae Variant Classification Sherloc (09022015). Collection method: clinical testing. Allele origin: germline.

PreventionGenetics, part of Exact Sciences
Classification: Likely benign for DYNC1H1-related condition. Last evaluated: 2025-06-20. Review status: criteria provided, single submitter. Criteria: ACMG Guidelines, 2015. Collection method: clinical testing. Allele origin: germline.
Comment: This variant is classified as likely benign based on ACMG/AMP sequence variant interpretation guidelines (Richards et al. 2015 PMID: 25741868, with internal and published modifications).

CeGaT Center for Human Genetics Tuebingen
Classification: Likely benign. Last evaluated: 2023-01-01. Review status: criteria provided, single submitter. Criteria: CeGaT Center For Human Genetics Tuebingen Variant Classification Criteria Version 2. Collection method: clinical testing. Allele origin: germline. Affected: yes. Observed: 1 variant allele.
Comment: DYNC1H1: BP4, BP7, BS1

Blueprint Genetics
Classification: Likely benign. Last evaluated: 2022-11-24. Review status: criteria provided, single submitter. Criteria: ACMG Guidelines, 2015. Collection method: clinical testing. Allele origin: germline.

GeneDx
Classification: Likely benign. Last evaluated: 2020-12-11. Review status: criteria provided, single submitter. Criteria: GeneDx Variant Classification Process June 2021. Collection method: clinical testing. Allele origin: germline. Affected: yes.

Ambry Genetics
Classification: Likely benign for Inborn genetic diseases. Last evaluated: 2019-06-03. Review status: criteria provided, single submitter. Criteria: Ambry Variant Classification Scheme 2023. Collection method: clinical testing. Allele origin: germline.

Illumina Laboratory Services, Illumina
Classification: Likely benign for Spinocerebellar Ataxia, Dominant. Last evaluated: 2018-01-13. Review status: criteria provided, single submitter. Criteria: ICSL Variant Classification Criteria 13 December 2019. Collection method: clinical testing. Allele origin: germline.
Comment: This variant was observed in the ICSL laboratory as part of a predisposition screen in an ostensibly healthy population. It had not been previously curated by ICSL or reported in the Human Gene Mutation Database (HGMD: prior to June 1st, 2018), and was therefore a candidate for classification through an automated scoring system. Utilizing variant allele frequency, disease prevalence and penetrance estimates, and inheritance mode, an automated score was calculated to assess if this variant is too frequent to cause the disease. Based on the score and internal cut-off values, a variant classified as likely benign is not then subjected to further curation. The score for this variant resulted in a classification of likely benign for this disease.

Illumina Laboratory Services, Illumina
Classification: Likely benign for Charcot-Marie-Tooth disease axonal type 2O. Last evaluated: 2018-01-13. Review status: criteria provided, single submitter. Criteria: ICSL Variant Classification Criteria 13 December 2019. Collection method: clinical testing. Allele origin: germline.
Comment: the same text as in the submission from Illumina Laboratory Services, Illumina above.